The following is an entry in ClinVar:

NM_004977.3(KCNC3):c.1795C>G (p.Pro599Ala)

Gene: KCNC3 (potassium voltage-gated channel subfamily C member 3; minus strand). Cytogenetic location: 19q13.33.
Variant type: single nucleotide variant.
Coding change: c.1795C>G on transcript NM_004977.3 (MANE Select); coding-DNA position 1795, C replaced by G.
Protein change: p.Pro599Ala; replaces proline 599 with alanine.
Molecular consequence: missense variant.
Genome position (GRCh38, 1-based): chr19:50,323,158, G>C on the plus strand (C>G on the coding strand, the complement: KCNC3 is on the minus strand). VCF-style: chr19-50323158-G-C. GRCh37 (hg19) VCF-style: chr19-50826415-G-C.
Other names: c.1567C>G, p.Pro523Ala (NM_001372305.1); short protein forms P523A, P599A.
Identifiers: ClinVar variation 2684251 (VCV002684251.2), dbSNP rs1047320973, ClinGen allele CA406949938.

ClinVar aggregate classification (germline): Uncertain significance. Review status: criteria provided, multiple submitters, no conflicts (2 of 4 stars). 2 submissions from 2 submitters: Uncertain significance (2). Last evaluated 2025-08-31.

Conditions:
Inborn genetic diseases. Identifiers: MedGen C0950123, MeSH D030342.

Allele frequency attached by ClinVar (database versions not stated): TOPMed 0.00001.
gnomAD v4.1: 21 of 1,533,086 alleles (0.0014%); highest among the groups gnomAD compares: African/African-American, 0.0014%; no homozygotes.

Submissions (2):

Ambry Genetics
Classification: Uncertain significance for Inborn genetic diseases. Last evaluated: 2025-08-31. Review status: criteria provided, single submitter. Criteria: Ambry Variant Classification Scheme 2023. Collection method: clinical testing. Allele origin: germline.

Athena Diagnostics
Classification: Uncertain significance. Last evaluated: 2023-03-20. Review status: criteria provided, single submitter. Criteria: Athena Diagnostics Criteria. Collection method: clinical testing. Allele origin: unknown.
Comment: Available data are insufficient to determine the clinical significance of the variant at this time. The frequency of this variant in the general population is uninformative in assessment of its pathogenicity. Computational tools disagree on the variant's effect on normal protein function.